The following is an entry in ClinVar:

NM_145261.4(DNAJC19):c.136A>G (p.Ser46Gly)

Gene: DNAJC19 (DnaJ heat shock protein family (Hsp40) member C19; minus strand). Cytogenetic location: 3q26.33.
Variant type: single nucleotide variant.
Coding change: c.136A>G on transcript NM_145261.4 (MANE Select); coding-DNA position 136, A replaced by G.
Protein change: p.Ser46Gly; replaces serine 46 with glycine.
Molecular consequence: missense variant. On other transcripts: non-coding transcript variant (2).
Genome position (GRCh38, 1-based): chr3:180,987,016, T>C on the plus strand (A>G on the coding strand, the complement: DNAJC19 is on the minus strand). VCF-style: chr3-180987016-T-C. GRCh37 (hg19) VCF-style: chr3-180704804-T-C.
Other names: c.61A>G, p.Ser21Gly (NM_001190233.2); short protein forms S21G, S46G.
Identifiers: ClinVar variation 2150977 (VCV002150977.4), dbSNP rs749213568, ClinGen allele CA355472561.

ClinVar aggregate classification (germline): Uncertain significance (1 of 4 stars; one submission).

Conditions:
3-methylglutaconic aciduria type 5. Also called: 3 alpha methylglutaconic aciduria type V; MGA 5; CARDIOMYOPATHY, DILATED, WITH ATAXIA; MGA, TYPE V. Identifiers: Orphanet 66634, MedGen C1857776, MONDO:0012435, OMIM 610198.

Submission:

Labcorp Genetics (formerly Invitae), Labcorp
Classification: Uncertain significance for 3-methylglutaconic aciduria type 5. Last evaluated: 2022-04-11. Review status: criteria provided, single submitter. Criteria: Invitae Variant Classification Sherloc (09022015). Collection method: clinical testing. Allele origin: germline.
Comment: In summary, the available evidence is currently insufficient to determine the role of this variant in disease. Therefore, it has been classified as a Variant of Uncertain Significance. Algorithms developed to predict the effect of missense changes on protein structure and function (SIFT, PolyPhen-2, Align-GVGD) all suggest that this variant is likely to be tolerated. This variant has not been reported in the literature in individuals affected with DNAJC19-related conditions. This variant is present in population databases (no rsID available, gnomAD 0.0009%). This sequence change replaces serine, which is neutral and polar, with glycine, which is neutral and non-polar, at codon 46 of the DNAJC19 protein (p.Ser46Gly).